The following is an entry in ClinVar:

NM_001244008.2(KIF1A):c.301G>A (p.Ala101Thr)

Gene: KIF1A (kinesin family member 1A; minus strand). Cytogenetic location: 2q37.3.
Variant type: single nucleotide variant.
Coding change: c.301G>A on transcript NM_001244008.2 (MANE Select); coding-DNA position 301, G replaced by A.
Protein change: p.Ala101Thr; replaces alanine 101 with threonine.
Molecular consequence: missense variant.
Genome position (GRCh38, 1-based): chr2:240,788,113, C>T on the plus strand (G>A on the coding strand, the complement: KIF1A is on the minus strand). VCF-style: chr2-240788113-C-T. GRCh37 (hg19) VCF-style: chr2-241727530-C-T.
Other names: c.301G>A, p.Ala101Thr (NM_001320705.2, NM_001330289.2, NM_001330290.2 and 20 more transcripts); short protein forms A101T.
Identifiers: ClinVar variation 1700774 (VCV001700774.5), dbSNP rs2126091792, ClinGen allele CA351310270.

ClinVar aggregate classification (germline): Conflicting classifications of pathogenicity. Review status: criteria provided, conflicting classifications (1 of 4 stars). 2 submissions from 2 submitters: Likely pathogenic (1); Uncertain significance (1). Last evaluated 2025-02-11.

Conditions:
Hereditary spastic paraplegia 30. Identifiers: Orphanet 101010, MedGen C5235139, MONDO:0012476.
Neuropathy, hereditary sensory, type 2C. Also called: Hereditary sensory and autonomic neuropathy type IIC; KIF1A-Related HSAN2 (HSAN2C). Identifiers: Orphanet 970, MedGen C3280168, MONDO:0013634, OMIM 614213.
Intellectual disability, autosomal dominant 9 (NESCAVS). Also called: NESCAV SYNDROME; KIF1A-Related Neurodevelopmental Disorder. Identifiers: Orphanet 662367, MedGen C5393830, MONDO:0013656, OMIM 614255.

Submissions (2):

Labcorp Genetics (formerly Invitae), Labcorp
Classification: Uncertain significance for Hereditary spastic paraplegia 30; Neuropathy, hereditary sensory, type 2C; Intellectual disability, autosomal dominant 9. Last evaluated: 2025-02-11. Review status: criteria provided, single submitter. Criteria: Invitae Variant Classification Sherloc (09022015). Collection method: clinical testing. Allele origin: germline.
Comment: This sequence change replaces alanine, which is neutral and non-polar, with threonine, which is neutral and polar, at codon 101 of the KIF1A protein (p.Ala101Thr). This variant is not present in population databases (gnomAD no frequency). This variant has not been reported in the literature in individuals affected with KIF1A-related conditions. ClinVar contains an entry for this variant (Variation ID: 1700774). Invitae Evidence Modeling of protein sequence and biophysical properties (such as structural, functional, and spatial information, amino acid conservation, physicochemical variation, residue mobility, and thermodynamic stability) indicates that this missense variant is expected to disrupt KIF1A protein function with a positive predictive value of 95%. In summary, the available evidence is currently insufficient to determine the role of this variant in disease. Therefore, it has been classified as a Variant of Uncertain Significance.

GeneDx
Classification: Likely pathogenic. Last evaluated: 2024-01-30. Review status: criteria provided, single submitter. Criteria: GeneDx Variant Classification Process June 2021. Collection method: clinical testing. Allele origin: germline. Affected: yes.
Comment: Not observed at significant frequency in large population cohorts (gnomAD); In silico analysis supports that this missense variant has a deleterious effect on protein structure/function; Has not been previously published as pathogenic or benign to our knowledge; This variant is associated with the following publications: (PMID: 26125038, 21820098, 21376300)